The following is an entry in ClinVar:

ClinVar aggregate classification (germline): Likely benign (1 of 4 stars; one submission).

Submission:

Mayo Clinic Laboratories, Mayo Clinic
Classification: Likely benign. Last evaluated: 2025-04-10. Review status: criteria provided, single submitter. Criteria: ACMG Guidelines, 2015. Collection method: clinical testing. Allele origin: germline. Observed: 1 variant allele.
Comment: BP4, BP7

NM_024537.4(CARS2):c.24A>G (p.Pro8=)

Genes: CARS2 (cysteinyl-tRNA synthetase 2, mitochondrial; minus strand), LOC130010127 (ATAC-STARR-seq lymphoblastoid silent region 5509; plus strand). Cytogenetic location: 13q34.
Variant type: single nucleotide variant.
Coding change: c.24A>G on transcript NM_024537.4 (MANE Select); coding-DNA position 24, A replaced by G.
Protein change: p.Pro8=; no amino-acid change (proline 8 retained).
Molecular consequence: synonymous variant. On other transcripts: non-coding transcript variant (1), intron variant (1).
Genome position (GRCh38, 1-based): chr13:110,706,070, T>C on the plus strand (A>G on the coding strand, the complement: CARS2 is on the minus strand). VCF-style: chr13-110706070-T-C. GRCh37 (hg19) VCF-style: chr13-111358417-T-C.
Other names: p.Pro8=; c.24A>G, p.Pro8= (NM_001352253.3); c.-776+301A>G (NM_001352252.2).
Identifiers: ClinVar variation 4683836 (VCV004683836.1).